The following is an entry in ClinVar:

NM_000130.5(F5):c.6193+7T>A

Gene: F5 (coagulation factor V; minus strand). Cytogenetic location: 1q24.2.
Variant type: single nucleotide variant.
Coding change: c.6193+7T>A on transcript NM_000130.5 (MANE Select); 7 bases into the intron after coding-DNA position 6193, T replaced by A.
Molecular consequence: intron variant.
Genome position (GRCh38, 1-based): chr1:169,520,513, A>T on the plus strand (T>A on the coding strand, the complement: F5 is on the minus strand). VCF-style: chr1-169520513-A-T. GRCh37 (hg19) VCF-style: chr1-169489751-A-T.
Identifiers: ClinVar variation 773414 (VCV000773414.40), dbSNP rs185294741, ClinGen allele CA1233300.

ClinVar aggregate classification (germline): Conflicting classifications of pathogenicity. Review status: criteria provided, conflicting classifications (1 of 4 stars). 6 submissions from 4 submitters: Uncertain significance (1); Benign (1); Likely benign (4). Last evaluated 2026-01-25.

Conditions:
Factor V deficiency. Also called: Reduced coagulation factor V activity. Identifiers: Orphanet 326, MedGen C4317320, MONDO:0020586, HP:0003225.
Thrombophilia due to thrombin defect (THPH1). Also called: Prothrombin Thrombophilia; Thrombosis susceptibility; THROMBOPHILIA DUE TO FACTOR 2 DEFECT; Prothrombin-Related Thrombophilia (Factor II). Identifiers: MedGen C3160733, MONDO:0008559, OMIM 188050. Disease mechanism: gain of function, loss of function.
Congenital factor V deficiency. Also called: LABILE FACTOR DEFICIENCY; OWREN PARAHEMOPHILIA; PARAHEMOPHILIA; Hereditary factor V deficiency disease. Identifiers: Orphanet 326, MedGen C0015499, MONDO:0009210, OMIM 227400.
Budd-Chiari syndrome (BDCHS). Also called: Hepatic vein obstruction. Identifiers: Orphanet 131, MedGen C0856761, MONDO:0010947, OMIM 600880, HP:0002639.

Allele frequency attached by ClinVar (database versions not stated): ESP Exome Variant Server 0.00092; TOPMed 0.00099; 1000 Genomes Project 30x 0.00141; gnomAD exomes 0.00156; 1000 Genomes Project 0.00160; ExAC 0.00162.

Submissions (6):

Labcorp Genetics (formerly Invitae), Labcorp
Classification: Benign for Congenital factor V deficiency. Last evaluated: 2026-01-25. Review status: criteria provided, single submitter. Criteria: Invitae Variant Classification Sherloc (09022015). Collection method: clinical testing. Allele origin: germline.

CeGaT Center for Human Genetics Tuebingen
Classification: Likely benign. Last evaluated: 2026-01-01. Review status: criteria provided, single submitter. Criteria: CeGaT Center For Human Genetics Tuebingen Variant Classification Criteria Version 2. Collection method: clinical testing. Allele origin: germline. Affected: yes. Observed: 4 variant alleles.
Comment: F5: BP4, BS2

Blueprint Genetics
Classification: Likely benign. Last evaluated: 2024-11-17. Review status: criteria provided, single submitter. Criteria: ACMG Guidelines, 2015. Collection method: clinical testing. Allele origin: germline.

Illumina Laboratory Services, Illumina
Classification: Likely benign for Congenital factor V deficiency. Last evaluated: 2018-01-13. Review status: criteria provided, single submitter. Criteria: ICSL Variant Classification Criteria 13 December 2019. Collection method: clinical testing. Allele origin: germline.
Comment: This variant was observed in the ICSL laboratory as part of a predisposition screen in an ostensibly healthy population. It had not been previously curated by ICSL or reported in the Human Gene Mutation Database (HGMD: prior to June 1st, 2018), and was therefore a candidate for classification through an automated scoring system. Utilizing variant allele frequency, disease prevalence and penetrance estimates, and inheritance mode, an automated score was calculated to assess if this variant is too frequent to cause the disease. Based on the score and internal cut-off values, a variant classified as likely benign is not then subjected to further curation. The score for this variant resulted in a classification of likely benign for this disease.

Illumina Laboratory Services, Illumina
Classification: Likely benign for Venous thrombosis. Last evaluated: 2018-01-13. Review status: criteria provided, single submitter. Criteria: ICSL Variant Classification Criteria 13 December 2019. Collection method: clinical testing. Allele origin: germline.
Comment: the same text as in the submission from Illumina Laboratory Services, Illumina above.

Illumina Laboratory Services, Illumina
Classification: Uncertain significance for Budd-Chiari syndrome. Last evaluated: 2018-01-13. Review status: criteria provided, single submitter. Criteria: ICSL Variant Classification Criteria 13 December 2019. Collection method: clinical testing. Allele origin: germline.